The following is an entry in ClinVar:

ClinVar aggregate classification (germline): Uncertain significance (1 of 4 stars; one submission).

Conditions:
Neurofibromatosis, type 1 (NF1). Also called: Peripheral type neurofibromatosis; VON RECKLINGHAUSEN DISEASE; NEUROFIBROMATOSIS, TYPE I, SOMATIC; Neurofibromatosis, type I. Identifiers: Orphanet 636, MedGen C0027831, MONDO:0018975, OMIM 162200. Disease mechanism: loss of function.

Submission:

Labcorp Genetics (formerly Invitae), Labcorp
Classification: Uncertain significance for Neurofibromatosis, type 1. Last evaluated: 2023-10-29. Review status: criteria provided, single submitter. Criteria: Invitae Variant Classification Sherloc (09022015). Collection method: clinical testing. Allele origin: germline.
Comment: This sequence change replaces glutamine, which is neutral and polar, with histidine, which is basic and polar, at codon 1255 of the NF1 protein (p.Gln1255His). This variant is not present in population databases (gnomAD no frequency). This variant has not been reported in the literature in individuals affected with NF1-related conditions. ClinVar contains an entry for this variant (Variation ID: 957131). Advanced modeling of protein sequence and biophysical properties (such as structural, functional, and spatial information, amino acid conservation, physicochemical variation, residue mobility, and thermodynamic stability) has been performed at Invitae for this missense variant, however the output from this modeling did not meet the statistical confidence thresholds required to predict the impact of this variant on NF1 protein function. In summary, the available evidence is currently insufficient to determine the role of this variant in disease. Therefore, it has been classified as a Variant of Uncertain Significance.

NM_001042492.3(NF1):c.3765A>C (p.Gln1255His)

Gene: NF1 (neurofibromin 1; plus strand). Cytogenetic location: 17q11.2.
Variant type: single nucleotide variant.
Coding change: c.3765A>C on transcript NM_001042492.3 (MANE Select); coding-DNA position 3765, A replaced by C.
Protein change: p.Gln1255His; replaces glutamine 1255 with histidine.
Molecular consequence: missense variant.
Genome position (GRCh38, 1-based): chr17:31,235,667, A>C. VCF-style: chr17-31235667-A-C. GRCh37 (hg19) VCF-style: chr17-29562685-A-C.
Other names: c.3765A>C, p.Gln1255His (NM_000267.4); short protein forms Q1255H.
Identifiers: ClinVar variation 957131 (VCV000957131.6), dbSNP rs766896025, ClinGen allele CA398992518.
Genomic context (GRCh38, chr17:31,235,667, plus strand): 5'-TCAGGATGAACTAGCTCGAGTTCTGGTTACTCTGTTTGATTCTCGGCATTTACTCTACCA[A>C]CTGCTCTGGAACATGTTTTCTAAAGAAGTAGAATTGGCAGACTCCATGCAGACTCTCTTC-3'
Protein context (NP_001035957.1, residues 1245-1265): TLFDSRHLLY[Gln1255His]LLWNMFSKEV